The following is an entry in ClinVar:

NM_004977.3(KCNC3):c.1596C>T (p.Ala532=)

Gene: KCNC3 (potassium voltage-gated channel subfamily C member 3; minus strand). Cytogenetic location: 19q13.33.
Variant type: single nucleotide variant.
Coding change: c.1596C>T on transcript NM_004977.3 (MANE Select); coding-DNA position 1596, C replaced by T.
Protein change: p.Ala532=; no amino-acid change (alanine 532 retained).
Molecular consequence: synonymous variant.
Genome position (GRCh38, 1-based): chr19:50,323,357, G>A on the plus strand (C>T on the coding strand, the complement: KCNC3 is on the minus strand). VCF-style: chr19-50323357-G-A. GRCh37 (hg19) VCF-style: chr19-50826614-G-A.
Other names: c.1368C>T, p.Ala456= (NM_001372305.1).
Identifiers: ClinVar variation 2672788 (VCV002672788.23), dbSNP rs2513799093, ClinGen allele CA508302811.

ClinVar aggregate classification (germline): Likely benign (1 of 4 stars; one submission).

Submission:

CeGaT Center for Human Genetics Tuebingen
Classification: Likely benign. Last evaluated: 2023-11-01. Review status: criteria provided, single submitter. Criteria: CeGaT Center For Human Genetics Tuebingen Variant Classification Criteria Version 2. Collection method: clinical testing. Allele origin: germline. Affected: yes. Observed: 1 variant allele.
Comment: KCNC3: PM2:Supporting, BP4, BP7